The following is an entry in ClinVar:

ClinVar aggregate classification (germline): Uncertain significance (1 of 4 stars; one submission).

Conditions:
Multiple endocrine neoplasia, type 2 (MEN2). Identifiers: Orphanet 653, MedGen C4048306, MONDO:0019003. Disease mechanism: gain of function.

Submission:

Labcorp Genetics (formerly Invitae), Labcorp
Classification: Uncertain significance for Multiple endocrine neoplasia, type 2. Last evaluated: 2019-07-03. Review status: criteria provided, single submitter. Criteria: Invitae Variant Classification Sherloc (09022015). Collection method: clinical testing. Allele origin: germline.
Comment: In summary, the available evidence is currently insufficient to determine the role of this variant in disease. Therefore, it has been classified as a Variant of Uncertain Significance. Experimental studies and prediction algorithms are not available or were not evaluated for this variant, and the functional significance of the affected amino acid(s) is currently unknown. This variant has not been reported in the literature in individuals with RET-related conditions. The frequency data for this variant in the population databases is considered unreliable, as metrics indicate insufficient coverage at this position in the ExAC database. This variant, c.60_65del, results in the deletion of 2 amino acid(s) of the RET protein (p.Leu21_Leu22del), but otherwise preserves the integrity of the reading frame.

NM_020975.6(RET):c.60_65del (p.Leu21_Leu22del)

Gene: RET (ret proto-oncogene; plus strand). Cytogenetic location: 10q11.21.
Variant type: Deletion.
Coding change: c.60_65del on transcript NM_020975.6 (MANE Select); coding-DNA positions 60 to 65, 6 bases deleted (GCTGCT; older notation c.60_65delGCTGCT).
Protein change: p.Leu21_Leu22del.
Molecular consequence: inframe deletion. On other transcripts: inframe indel (42).
Genome position (GRCh38, 1-based): chr10:43,077,318-43,077,323, GCTGCT deleted. VCF-style (leftmost placement, unchanged base first): chr10-43077317-CGCTGCT-C. GRCh37 (hg19) VCF-style: chr10-43572765-CGCTGCT-C.
Other names: c.60_65delGCTGCT, p.Leu21_Leu22del (NM_000323.2, NM_001406743.1, NM_001406744.1 and 39 more transcripts).
Identifiers: ClinVar variation 946053 (VCV000946053.10), dbSNP rs1837067951, ClinGen allele CA1139661420.